The following is an entry in ClinVar:

NM_017534.6(MYH2):c.5820A>G (p.Glu1940=)

Genes: MYHAS (myosin heavy chain gene cluster antisense RNA; plus strand), MYH2 (myosin heavy chain 2; minus strand). Cytogenetic location: 17p13.1.
Variant type: single nucleotide variant.
Coding change: c.5820A>G on transcript NM_017534.6 (MANE Select); coding-DNA position 5820, A replaced by G.
Protein change: p.Glu1940=; no amino-acid change (glutamic acid 1940 retained).
Molecular consequence: synonymous variant.
Genome position (GRCh38, 1-based): chr17:10,521,286, T>C on the plus strand (A>G on the coding strand, the complement: MYH2 is on the minus strand). VCF-style: chr17-10521286-T-C. GRCh37 (hg19) VCF-style: chr17-10424603-T-C.
Other names: p.Glu1940=; c.5820A>G, p.Glu1940= (NM_001100112.2).
Identifiers: ClinVar variation 287307 (VCV000287307.18), dbSNP rs140527143, ClinGen allele CA8390302.

ClinVar aggregate classification (germline): Conflicting classifications of pathogenicity. Review status: criteria provided, conflicting classifications (1 of 4 stars). 4 submissions from 4 submitters: Uncertain significance (1); Likely benign (3). Last evaluated 2025-10-21.

Conditions:
Myopathy, proximal, and ophthalmoplegia (CMYO6). Also called: MYOPATHY WITH CONGENITAL JOINT CONTRACTURES, OPHTHALMOPLEGIA, AND RIMMED VACUOLES; CONGENITAL MYOPATHY 6 WITH OPHTHALMOPLEGIA; INCLUSION BODY MYOPATHY 3, AUTOSOMAL DOMINANT. Identifiers: Orphanet 363677, Orphanet 79091, MedGen C1854106, MONDO:0011577, OMIM 605637.

Allele frequency attached by ClinVar (database versions not stated): gnomAD exomes 0.00004 and 0.00012; ExAC 0.00009; 1000 Genomes Project 30x 0.00031; 1000 Genomes Project 0.00040; gnomAD 0.00048 and 0.00052; TOPMed 0.00048; ESP Exome Variant Server 0.00069.
gnomAD v4.1: 137 of 1,613,792 alleles (0.0085%); highest among the groups gnomAD compares: African/African-American, 0.15%; no homozygotes.

Submissions (4):

Labcorp Genetics (formerly Invitae), Labcorp
Classification: Likely benign for Myopathy, proximal, and ophthalmoplegia. Last evaluated: 2025-10-21. Review status: criteria provided, single submitter. Criteria: Invitae Variant Classification Sherloc (09022015). Collection method: clinical testing. Allele origin: germline.

Mayo Clinic Laboratories, Mayo Clinic
Classification: Likely benign. Last evaluated: 2025-08-15. Review status: criteria provided, single submitter. Criteria: ACMG Guidelines, 2015. Collection method: clinical testing. Allele origin: germline. Observed: 2 variant alleles.
Comment: BP4, BP7

Revvity Omics, Revvity
Classification: Likely benign for Myopathy, proximal, and ophthalmoplegia. Last evaluated: 2025-04-11. Review status: criteria provided, single submitter. Criteria: ACMG Guidelines, 2015. Collection method: clinical testing. Allele origin: germline.

Eurofins Ntd Llc (ga)
Classification: Uncertain significance. Last evaluated: 2017-10-26. Review status: criteria provided, single submitter. Criteria: EGL Classification Definitions 2015. Collection method: clinical testing. Allele origin: germline. Observed: 2 variant alleles, 2 heterozygotes.